The following is an entry in ClinVar:

NM_001105206.3(LAMA4):c.298-104T>C

Gene: LAMA4 (laminin subunit alpha 4; minus strand). Cytogenetic location: 6q21.
Variant type: single nucleotide variant.
Coding change: c.298-104T>C on transcript NM_001105206.3 (MANE Select); 104 bases into the intron before coding-DNA position 298, T replaced by C.
Molecular consequence: intron variant.
Genome position (GRCh38, 1-based): chr6:112,207,249, A>G on the plus strand (T>C on the coding strand, the complement: LAMA4 is on the minus strand). VCF-style: chr6-112207249-A-G. GRCh37 (hg19) VCF-style: chr6-112528450-A-G.
Other names: c.298-104T>C (NM_002290.5, NM_001105207.3).
Identifiers: ClinVar variation 675360 (VCV000675360.1), dbSNP rs17073565, ClinGen allele CA144891186.

ClinVar aggregate classification (germline): Benign (1 of 4 stars; one submission).

Allele frequency attached by ClinVar (database versions not stated): gnomAD exomes 0.00604; gnomAD 0.05535 and 0.05945; 1000 Genomes Project 0.05751; TOPMed 0.06111; 1000 Genomes Project 30x 0.06184.
gnomAD v4.1: 15,327 of 1,246,190 alleles (1.2%); highest among the groups gnomAD compares: African/African-American, 19%; 1,238 homozygotes.

Submission:

GeneDx
Classification: Benign. Last evaluated: 2018-06-14. Review status: criteria provided, single submitter. Criteria: GeneDx Variant Classification (06012015). Collection method: clinical testing. Allele origin: germline. Affected: yes.
Comment: This variant is considered likely benign or benign based on one or more of the following criteria: it is a conservative change, it occurs at a poorly conserved position in the protein, it is predicted to be benign by multiple in silico algorithms, and/or has population frequency not consistent with disease.